The following is an entry in ClinVar:

NM_002666.5(PLIN1):c.1119C>T (p.Val373=)

Gene: PLIN1 (perilipin 1; minus strand). Cytogenetic location: 15q26.1.
Variant type: single nucleotide variant.
Coding change: c.1119C>T on transcript NM_002666.5 (MANE Select); coding-DNA position 1119, C replaced by T.
Protein change: p.Val373=; no amino-acid change (valine 373 retained).
Molecular consequence: synonymous variant.
Genome position (GRCh38, 1-based): chr15:89,667,026, G>A on the plus strand (C>T on the coding strand, the complement: PLIN1 is on the minus strand). VCF-style: chr15-89667026-G-A. GRCh37 (hg19) VCF-style: chr15-90210257-G-A.
Other names: p.Val373=; c.1119C>T, p.Val373= (NM_001145311.2).
Identifiers: ClinVar variation 129971 (VCV000129971.12), dbSNP rs2304796, ClinGen allele CA154698.

ClinVar aggregate classification (germline): Benign. Review status: criteria provided, multiple submitters, no conflicts (2 of 4 stars). 5 submissions from 5 submitters: Benign (4). 1 of the submissions does not count toward it. Last evaluated 2022-04-26.

Conditions:
PLIN1-related familial partial lipodystrophy. Also called: LIPODYSTROPHY, FAMILIAL PARTIAL, ASSOCIATED WITH PLIN1 MUTATIONS. Identifiers: Orphanet 280356, MedGen C5191005, MONDO:0013478, OMIM 613877.

Allele frequency attached by ClinVar (database versions not stated): TOPMed 0.25473; ESP Exome Variant Server 0.26519; 1000 Genomes Project 30x 0.27858; 1000 Genomes Project 0.28215; gnomAD 0.25348.
gnomAD v4.1: 483,990 of 1,613,584 alleles (30%); highest among the groups gnomAD compares: South Asian, 40%; 74,786 homozygotes.

Submissions (5):

Mayo Clinic Laboratories, Mayo Clinic
Classification: Benign. Last evaluated: 2022-04-26. Review status: criteria provided, single submitter. Criteria: ACMG Guidelines, 2015. Collection method: clinical testing. Allele origin: germline. Observed: 25 variant alleles.

Genome-Nilou Lab
Classification: Benign for PLIN1-related familial partial lipodystrophy. Last evaluated: 2021-10-25. Review status: criteria provided, single submitter. Criteria: ACMG Guidelines, 2015. Collection method: clinical testing. Allele origin: germline. Affected: no.

GeneDx
Classification: Benign. Last evaluated: 2018-11-12. Review status: criteria provided, single submitter. Criteria: GeneDx Variant Classification Process June 2021. Collection method: clinical testing. Allele origin: germline. Affected: yes.

Breakthrough Genomics
Classification: Benign. Review status: criteria provided, single submitter. Criteria: ACMG Guidelines, 2015. Collection method: not provided. Allele origin: germline. Inheritance: Autosomal dominant inheritance. Affected: yes.

Genetic Services Laboratory, University of Chicago
Classification: Likely benign for AllHighlyPenetrant. Review status: no assertion criteria provided. Collection method: clinical testing. Allele origin: germline. Inheritance: Autosomal dominant inheritance. Not counted in ClinVar's aggregate classification.
Comment: Likely benign based on allele frequency in 1000 Genomes Project or ESP global frequency and its presence in a patient with a rare or unrelated disease phenotype. NOT Sanger confirmed.